The following is an entry in ClinVar:

NM_032242.4(PLXNA1):c.3216C>T (p.Asn1072=)

Gene: PLXNA1 (plexin A1; plus strand). Cytogenetic location: 3q21.3.
Variant type: single nucleotide variant.
Coding change: c.3216C>T on transcript NM_032242.4 (MANE Select); coding-DNA position 3216, C replaced by T.
Protein change: p.Asn1072=; no amino-acid change (asparagine 1072 retained).
Molecular consequence: synonymous variant.
Genome position (GRCh38, 1-based): chr3:127,016,977, C>T. VCF-style: chr3-127016977-C-T. GRCh37 (hg19) VCF-style: chr3-126735820-C-T.
Identifiers: ClinVar variation 3353659 (VCV003353659.1).

ClinVar aggregate classification (germline): Likely benign (0 of 4 stars; one submission).

Conditions:
PLXNA1-related disorder. Also called: PLXNA1-related condition.

gnomAD v4.1: 18 of 1,613,454 alleles (0.0011%); highest among the groups gnomAD compares: Non-Finnish European, 0.0015%; no homozygotes.

Submission:

PreventionGenetics, part of Exact Sciences
Classification: Likely benign for PLXNA1-related condition. Last evaluated: 2022-09-30. Review status: no assertion criteria provided. Collection method: clinical testing. Allele origin: germline.
Comment: This variant is classified as likely benign based on ACMG/AMP sequence variant interpretation guidelines (Richards et al. 2015 PMID: 25741868, with internal and published modifications).